The following is an entry in ClinVar:

NM_004820.5(CYP7B1):c.130G>A (p.Gly44Ser)

Gene: CYP7B1 (cytochrome P450 family 7 subfamily B member 1; minus strand). Cytogenetic location: 8q12.3.
Variant type: single nucleotide variant.
Coding change: c.130G>A on transcript NM_004820.5 (MANE Select); coding-DNA position 130, G replaced by A.
Protein change: p.Gly44Ser; replaces glycine 44 with serine.
Molecular consequence: missense variant.
Genome position (GRCh38, 1-based): chr8:64,624,532, C>T on the plus strand (G>A on the coding strand, the complement: CYP7B1 is on the minus strand). VCF-style: chr8-64624532-C-T. GRCh37 (hg19) VCF-style: chr8-65537089-C-T.
Other names: p.Gly44Ser; c.130G>A, p.Gly44Ser (NM_001324112.2); short protein forms G44S.
Identifiers: ClinVar variation 2523660 (VCV002523660.3), dbSNP rs760725237, ClinGen allele CA178391968.

ClinVar aggregate classification (germline): Uncertain significance. Review status: criteria provided, multiple submitters, no conflicts (2 of 4 stars). 2 submissions from 2 submitters: Uncertain significance (2). Last evaluated 2024-02-27.

Conditions:
Inborn genetic diseases. Identifiers: MedGen C0950123, MeSH D030342.

Allele frequency attached by ClinVar (database versions not stated): gnomAD 0.00002.

Submissions (2):

Mayo Clinic Laboratories, Mayo Clinic
Classification: Uncertain significance. Last evaluated: 2024-02-27. Review status: criteria provided, single submitter. Criteria: ACMG Guidelines, 2015. Collection method: clinical testing. Allele origin: germline. Observed: 1 variant allele.
Comment: PM2

Ambry Genetics
Classification: Uncertain significance for Inborn genetic diseases. Last evaluated: 2023-03-23. Review status: criteria provided, single submitter. Criteria: Ambry Variant Classification Scheme 2023. Collection method: clinical testing. Allele origin: germline.